The following is an entry in ClinVar:

NM_052867.4(NALCN):c.1322G>A (p.Gly441Glu)

Gene: NALCN (sodium leak channel, non-selective; minus strand). Cytogenetic location: 13q33.1.
Variant type: single nucleotide variant.
Coding change: c.1322G>A on transcript NM_052867.4 (MANE Select); coding-DNA position 1322, G replaced by A.
Protein change: p.Gly441Glu; replaces glycine 441 with glutamic acid.
Molecular consequence: missense variant.
Genome position (GRCh38, 1-based): chr13:101,237,867, C>T on the plus strand (G>A on the coding strand, the complement: NALCN is on the minus strand). VCF-style: chr13-101237867-C-T. GRCh37 (hg19) VCF-style: chr13-101890218-C-T.
Other names: c.1322G>A (NM_052867.2); c.1322G>A, p.Gly441Glu (NM_001350748.2, NM_001350749.2); c.1235G>A, p.Gly412Glu (NM_001350750.2, NM_001350751.2); short protein forms G412E, G441E.
Identifiers: ClinVar variation 1907137 (VCV001907137.7), dbSNP rs1204995766, ClinGen allele CA388703221.

ClinVar aggregate classification (germline): Uncertain significance. Review status: criteria provided, multiple submitters, no conflicts (2 of 4 stars). 2 submissions from 2 submitters: Uncertain significance (2). Last evaluated 2025-02-23.

Conditions:
Inborn genetic diseases. Identifiers: MedGen C0950123, MeSH D030342.

Allele frequency attached by ClinVar (database versions not stated): TOPMed below 0.00001; gnomAD 0.00001; gnomAD exomes 0.00001.
gnomAD v4.1: 16 of 1,604,126 alleles (0.001%); highest among the groups gnomAD compares: Non-Finnish European, 0.0014%; no homozygotes.

Submissions (2):

Labcorp Genetics (formerly Invitae), Labcorp
Classification: Uncertain significance. Last evaluated: 2025-02-23. Review status: criteria provided, single submitter. Criteria: Invitae Variant Classification Sherloc (09022015). Collection method: clinical testing. Allele origin: germline.
Comment: This sequence change replaces glycine, which is neutral and non-polar, with glutamic acid, which is acidic and polar, at codon 441 of the NALCN protein (p.Gly441Glu). This variant is present in population databases (no rsID available, gnomAD 0.002%). This variant has not been reported in the literature in individuals affected with NALCN-related conditions. ClinVar contains an entry for this variant (Variation ID: 1907137). Invitae Evidence Modeling of protein sequence and biophysical properties (such as structural, functional, and spatial information, amino acid conservation, physicochemical variation, residue mobility, and thermodynamic stability) indicates that this missense variant is expected to disrupt NALCN protein function with a positive predictive value of 80%. In summary, the available evidence is currently insufficient to determine the role of this variant in disease. Therefore, it has been classified as a Variant of Uncertain Significance.

Ambry Genetics
Classification: Uncertain significance for Inborn genetic diseases. Last evaluated: 2023-01-06. Review status: criteria provided, single submitter. Criteria: Ambry Variant Classification Scheme 2023. Collection method: clinical testing. Allele origin: germline.